The following is an entry in ClinVar:

ClinVar aggregate classification (germline): Uncertain significance (1 of 4 stars; one submission).

Conditions:
Von Hippel-Lindau syndrome (VHLS). Also called: Von Hippel-Lindau; von Hippel–Lindau syndrome; VHL syndrome. Identifiers: Orphanet 892, MedGen C0019562, MONDO:0008667, OMIM 193300. Disease mechanism: loss of function.
Chuvash polycythemia. Also called: POLYCYTHEMIA, VHL-DEPENDENT. Identifiers: Orphanet 238557, MedGen C1837915, MONDO:0009892, OMIM 263400.

Allele frequency attached by ClinVar (database versions not stated): gnomAD exomes below 0.00001.
gnomAD v4.1: 1 of 1,568,884 alleles (0.000064%); highest among the groups gnomAD compares: Non-Finnish European, 0.000086%; no homozygotes.

Submission:

Labcorp Genetics (formerly Invitae), Labcorp
Classification: Uncertain significance for Von Hippel-Lindau syndrome; Chuvash polycythemia. Last evaluated: 2023-12-28. Review status: criteria provided, single submitter. Criteria: Invitae Variant Classification Sherloc (09022015). Collection method: clinical testing. Allele origin: germline.
Comment: This sequence change replaces glutamic acid, which is acidic and polar, with alanine, which is neutral and non-polar, at codon 46 of the VHL protein (p.Glu46Ala). This variant is not present in population databases (gnomAD no frequency). This variant has not been reported in the literature in individuals affected with VHL-related conditions. Advanced modeling of protein sequence and biophysical properties (such as structural, functional, and spatial information, amino acid conservation, physicochemical variation, residue mobility, and thermodynamic stability) performed at Invitae indicates that this missense variant is not expected to disrupt VHL protein function with a negative predictive value of 95%. In summary, the available evidence is currently insufficient to determine the role of this variant in disease. Therefore, it has been classified as a Variant of Uncertain Significance.

NM_000551.4(VHL):c.137A>C (p.Glu46Ala)

Gene: VHL (von Hippel-Lindau tumor suppressor; plus strand). Cytogenetic location: 3p25.3.
Variant type: single nucleotide variant.
Coding change: c.137A>C on transcript NM_000551.4 (MANE Select); coding-DNA position 137, A replaced by C.
Protein change: p.Glu46Ala; replaces glutamic acid 46 with alanine.
Molecular consequence: missense variant. On other transcripts: non-coding transcript variant (1).
Genome position (GRCh38, 1-based): chr3:10,141,984, A>C. VCF-style: chr3-10141984-A-C. GRCh37 (hg19) VCF-style: chr3-10183668-A-C.
Other names: c.137A>C, p.Glu46Ala (NM_001354723.2, NM_198156.3); short protein forms E46A.
Identifiers: ClinVar variation 2921748 (VCV002921748.3), dbSNP rs2125124796, ClinGen allele CA351748098.